The following is an entry in ClinVar:

NM_052988.5(CDK10):c.232+1G>C

Gene: CDK10 (cyclin dependent kinase 10; plus strand). Cytogenetic location: 16q24.3.
Variant type: single nucleotide variant.
Coding change: c.232+1G>C on transcript NM_052988.5 (MANE Select); the canonical splice donor site of the intron after coding-DNA position 232, G replaced by C.
Molecular consequence: splice donor variant.
Genome position (GRCh38, 1-based): chr16:89,690,625, G>C. VCF-style: chr16-89690625-G-C. GRCh37 (hg19) VCF-style: chr16-89757033-G-C.
Other names: c.19+1G>C (NM_001160367.2, NM_052987.4, NM_001098533.3).
Identifiers: ClinVar variation 4852351 (VCV004852351.1).
Genomic context (GRCh38, chr16:89,690,625, plus strand): 5'-ACACCCAGACAGATGAGATTGTCGCACTGAAGAAGGTGCGGATGGACAAGGAGAAGGATG[G>C]TGAGCAGGAAATTGGGGTGTTGGGACCTCGCACTGGGAGGAGGCAGAAGGATGTGAGTTA-3'

ClinVar aggregate classification (germline): Likely pathogenic (1 of 4 stars; one submission).

Conditions:
Al Kaissi syndrome. Also called: GROWTH RETARDATION, SPINE MALFORMATION, DYSMORPHIC FACIES, AND DEVELOPMENTAL DELAY. Identifiers: MedGen C4540156, MONDO:0044324, OMIM 617694.

Submission:

MVZ Medizinische Genetik Mainz
Classification: Likely pathogenic for Al Kaissi syndrome. Last evaluated: 2026-04-20. Review status: criteria provided, single submitter. Criteria: UK Practice Guidelines For Variant Classification V4 01 2020. Collection method: clinical testing. Allele origin: germline. Inheritance: Autosomal recessive inheritance. Affected: yes. Observed: 1 variant allele.
Comment: ACMG Criteria: PVS1_STR,PM3,PM2_SUP; Compound Heterozygote